The following is an entry in ClinVar:

NM_000423.3(KRT2):c.1066T>C (p.Tyr356His)

Gene: KRT2 (keratin 2; minus strand). Cytogenetic location: 12q13.13.
Variant type: single nucleotide variant.
Coding change: c.1066T>C on transcript NM_000423.3 (MANE Select); coding-DNA position 1066, T replaced by C.
Protein change: p.Tyr356His; replaces tyrosine 356 with histidine.
Molecular consequence: missense variant.
Genome position (GRCh38, 1-based): chr12:52,648,229, A>G on the plus strand (T>C on the coding strand, the complement: KRT2 is on the minus strand). VCF-style: chr12-52648229-A-G. GRCh37 (hg19) VCF-style: chr12-53042013-A-G.
Other names: short protein forms Y356H.
Identifiers: ClinVar variation 1311765 (VCV001311765.2), dbSNP rs766282919, ClinGen allele CA6585617.

ClinVar aggregate classification (germline): Uncertain significance (1 of 4 stars; one submission).

Allele frequency attached by ClinVar (database versions not stated): gnomAD exomes below 0.00001 and 0.00001; ExAC 0.00001.
gnomAD v4.1: 7 of 1,614,012 alleles (0.00043%); highest among the groups gnomAD compares: South Asian, 0.0066%; no homozygotes.

Submission:

GeneDx
Classification: Uncertain significance. Last evaluated: 2020-01-27. Review status: criteria provided, single submitter. Criteria: GeneDx Variant Classification Process June 2021. Collection method: clinical testing. Allele origin: germline. Affected: yes.
Comment: The majority of missense variants in this gene are considered pathogenic (Stenson et al., 2014); In silico analysis, which includes protein predictors and evolutionary conservation, supports a deleterious effect; In-silico analysis, which includes splice predictors and evolutionary conservation, is inconclusive as to whether the variant alters gene splicing. In the absence of RNA/functional studies, the actual effect of this sequence change is unknown.; Has not been previously published as pathogenic or benign to our knowledge